The following is an entry in ClinVar:

ClinVar aggregate classification (germline): Uncertain significance (1 of 4 stars; one submission).

Conditions:
NCOA1-related disorder. Also called: NCOA1-related condition.

Submission:

PreventionGenetics, part of Exact Sciences
Classification: Uncertain significance for NCOA1-related condition. Last evaluated: 2026-06-17. Review status: criteria provided, single submitter. Criteria: ACMG Guidelines, 2015. Collection method: clinical testing. Allele origin: germline.
Comment: The NCOA1 c.529C>A variant is predicted to result in the amino acid substitution p.Leu177Ile. To our knowledge, this variant has not been reported in the literature or in a large population database (gnomAD), indicating this variant is rare. At this time, the clinical significance of this variant is uncertain due to the absence of conclusive functional and genetic evidence.

NM_003743.5(NCOA1):c.529C>A (p.Leu177Ile)

Gene: NCOA1 (nuclear receptor coactivator 1; plus strand). Cytogenetic location: 2p23.3.
Variant type: single nucleotide variant.
Coding change: c.529C>A on transcript NM_003743.5 (MANE Select); coding-DNA position 529, C replaced by A.
Protein change: p.Leu177Ile; replaces leucine 177 with isoleucine.
Molecular consequence: missense variant.
Genome position (GRCh38, 1-based): chr2:24,683,125, C>A. VCF-style: chr2-24683125-C-A. GRCh37 (hg19) VCF-style: chr2-24905994-C-A.
Other names: c.529C>A, p.Leu177Ile (NM_001362950.1, NM_001362952.1, NM_001362954.1 and 3 more transcripts); short protein forms L177I.
Identifiers: ClinVar variation 4995765 (VCV004995765.1).